The following is an entry in ClinVar:

NM_000124.4(ERCC6):c.1541G>T (p.Gly514Val)

Gene: ERCC6 (ERCC excision repair 6, chromatin remodeling factor; minus strand). Cytogenetic location: 10q11.23.
Variant type: single nucleotide variant.
Coding change: c.1541G>T on transcript NM_000124.4 (MANE Select); coding-DNA position 1541, G replaced by T.
Protein change: p.Gly514Val; replaces glycine 514 with valine.
Molecular consequence: missense variant.
Genome position (GRCh38, 1-based): chr10:49,500,682, C>A on the plus strand (G>T on the coding strand, the complement: ERCC6 is on the minus strand). VCF-style: chr10-49500682-C-A. GRCh37 (hg19) VCF-style: chr10-50708728-C-A.
Other names: c.1541G>T, p.Gly514Val (NM_001346440.2); short protein forms G514V.
Identifiers: ClinVar variation 2165379 (VCV002165379.1), dbSNP rs896726886, ClinGen allele CA206608490.
Genomic context (GRCh38, chr10:49,500,682, plus strand): 5'-ATTTCATCTCCCAGAATTCCTCCTGCCTGCTGGCAGTGCAATTCCCACAGCCACCTAACA[C>A]CTGTCTGCTGGTACCTATGACAACAAACACCAACAAGAAAAGAGAAAATGGCAAATGGTG-3'
Protein context (NP_000115.1, residues 504-524): FKKLFKYQQT[Gly514Val]VRWLWELHCQ

ClinVar aggregate classification (germline): Uncertain significance (1 of 4 stars; one submission).

Allele frequency attached by ClinVar (database versions not stated): TOPMed below 0.00001; gnomAD exomes 0.00002.
gnomAD v4.1: 29 of 1,613,850 alleles (0.0018%); highest among the groups gnomAD compares: Non-Finnish European, 0.0024%; no homozygotes.

Submission:

Labcorp Genetics (formerly Invitae), Labcorp
Classification: Uncertain significance. Last evaluated: 2022-07-10. Review status: criteria provided, single submitter. Criteria: Invitae Variant Classification Sherloc (09022015). Collection method: clinical testing. Allele origin: germline.
Comment: This sequence change replaces glycine, which is neutral and non-polar, with valine, which is neutral and non-polar, at codon 514 of the ERCC6 protein (p.Gly514Val). This variant is not present in population databases (gnomAD no frequency). This variant has not been reported in the literature in individuals affected with ERCC6-related conditions. Advanced modeling of protein sequence and biophysical properties (such as structural, functional, and spatial information, amino acid conservation, physicochemical variation, residue mobility, and thermodynamic stability) performed at Invitae indicates that this missense variant is expected to disrupt ERCC6 protein function. In summary, the available evidence is currently insufficient to determine the role of this variant in disease. Therefore, it has been classified as a Variant of Uncertain Significance.